The following is an entry in ClinVar:

ClinVar aggregate classification (germline): Likely pathogenic (1 of 4 stars; one submission).

Conditions:
Hypertrophic cardiomyopathy 9. Also called: Familial hypertrophic cardiomyopathy 9. Identifiers: MedGen C1861065, MONDO:0013412, OMIM 613765.
Myopathy, myofibrillar, 9, with early respiratory failure (MFM9). Also called: Hereditary myopathy with early respiratory failure; EDSTROM MYOPATHY; MYOPATHY, PROXIMAL, WITH EARLY RESPIRATORY MUSCLE INVOLVEMENT; Myopathy, distal, with early respiratory failure, autosomal dominant. Identifiers: Orphanet 178464, Orphanet 34521, MedGen C1863599, MONDO:0011362, OMIM 603689.
Early-onset myopathy with fatal cardiomyopathy (CMYO5). Also called: CONGENITAL MYOPATHY 5 WITH CARDIOMYOPATHY; Salih Myopathy. Identifiers: Orphanet 289377, MedGen C2673677, MONDO:0012714, OMIM 611705. Disease mechanism: loss of function.
Autosomal recessive limb-girdle muscular dystrophy type 2J (LGMDR10). Also called: Limb-girdle muscular dystrophy, type 2J; MUSCULAR DYSTROPHY, LIMB-GIRDLE, AUTOSOMAL RECESSIVE 10. Identifiers: Orphanet 140922, MedGen C1837342, MONDO:0012127, OMIM 608807.
Dilated cardiomyopathy 1G (CMD1G). Identifiers: Orphanet 154, MedGen C1858763, MONDO:0011400, OMIM 604145.
Tibial muscular dystrophy (TMD). Also called: UDD MYOPATHY; Udd Distal Myopathy – Tibial Muscular Dystrophy; Tibial muscular dystrophy, tardive. Identifiers: Orphanet 609, MedGen C1838244, MONDO:0010870, OMIM 600334.

Submission:

Juno Genomics, Hangzhou Juno Genomics, Inc
Classification: Likely pathogenic for Early-onset myopathy with fatal cardiomyopathy; Dilated cardiomyopathy 1G; Hypertrophic cardiomyopathy 9; Autosomal recessive limb-girdle muscular dystrophy type 2J; Myopathy, myofibrillar, 9, with early respiratory failure; Tibial muscular dystrophy. Review status: criteria provided, single submitter. Criteria: ACMG Guidelines, 2015. Collection method: clinical testing. Allele origin: germline.
Comment: Null variant in a gene where loss of function (LOF) is a known mechanism of disease.;Absent from controls (or at extremely low frequency if recessive) in Genome Aggregation Database.

NM_001267550.2(TTN):c.106415_106416del (p.Lys35472fs)

Genes: TTN (titin; minus strand), TTN-AS1 (TTN antisense RNA 1; plus strand). Cytogenetic location: 2q31.2.
Variant type: Deletion.
Coding change: c.106415_106416del on transcript NM_001267550.2 (MANE Select); coding-DNA positions 106415 to 106416, 2 bases deleted (AG; older notation c.106415_106416delAG).
Protein change: p.Lys35472fs; shifts the reading frame from lysine 35472.
Molecular consequence: frameshift variant.
Genome position (GRCh38, 1-based): chr2:178,530,075-178,530,076, CT deleted on the plus strand (AG on the coding strand, the reverse complement: TTN is on the minus strand). VCF-style (leftmost placement, unchanged base first): chr2-178530074-CCT-C. GRCh37 (hg19) VCF-style: chr2-179394801-CCT-C.
Other names: c.101492_101493del, p.Lys33831fs (NM_001256850.1); c.79220_79221del, p.Lys26407fs (NM_003319.4); c.98711_98712del, p.Lys32904fs (NM_133378.4); c.79595_79596del, p.Lys26532fs (NM_133432.3); c.79796_79797del, p.Lys26599fs (NM_133437.4); short protein forms K26407fs, K26599fs, K32904fs, K26532fs, K33831fs, K35472fs.
Identifiers: ClinVar variation 5006135 (VCV005006135.2).